The following is an entry in ClinVar:

ClinVar aggregate classification (germline): Benign/Likely benign. Review status: criteria provided, multiple submitters, no conflicts (2 of 4 stars). 3 submissions from 3 submitters: Benign (1); Likely benign (1). 1 of the submissions does not count toward it. Last evaluated 2026-01-24.

Conditions:
PCLO-related disorder. Also called: PCLO-related condition.

Allele frequency attached by ClinVar (database versions not stated): gnomAD 0.00027 and 0.00037; gnomAD exomes 0.00037 and 0.00086; ExAC 0.00141; 1000 Genomes Project 0.00200; 1000 Genomes Project 30x 0.00203.
gnomAD v4.1: 535 of 1,418,296 alleles (0.038%); highest among the groups gnomAD compares: East Asian, 1.1%; 2 homozygotes.

Submissions (3):

Labcorp Genetics (formerly Invitae), Labcorp
Classification: Benign. Last evaluated: 2026-01-24. Review status: criteria provided, single submitter. Criteria: Invitae Variant Classification Sherloc (09022015). Collection method: clinical testing. Allele origin: germline.

Blueprint Genetics
Classification: Likely benign. Last evaluated: 2024-02-29. Review status: criteria provided, single submitter. Criteria: ACMG Guidelines, 2015. Collection method: clinical testing. Allele origin: germline.

PreventionGenetics, part of Exact Sciences
Classification: Benign for PCLO-related condition. Last evaluated: 2019-06-20. Review status: no assertion criteria provided. Collection method: clinical testing. Allele origin: germline. Not counted in ClinVar's aggregate classification.
Comment: This variant is classified as benign based on ACMG/AMP sequence variant interpretation guidelines (Richards et al. 2015 PMID: 25741868, with internal and published modifications).

NM_033026.6(PCLO):c.1059C>T (p.Val353=)

Gene: PCLO (piccolo presynaptic cytomatrix protein; minus strand). Cytogenetic location: 7q21.11.
Variant type: single nucleotide variant.
Coding change: c.1059C>T on transcript NM_033026.6 (MANE Select); coding-DNA position 1059, C replaced by T.
Protein change: p.Val353=; no amino-acid change (valine 353 retained).
Molecular consequence: synonymous variant.
Genome position (GRCh38, 1-based): chr7:83,155,582, G>A on the plus strand (C>T on the coding strand, the complement: PCLO is on the minus strand). VCF-style: chr7-83155582-G-A. GRCh37 (hg19) VCF-style: chr7-82784898-G-A.
Other names: c.1059C>T, p.Val353= (NM_014510.3); c.1059C>T (NM_033026.5).
Identifiers: ClinVar variation 1558706 (VCV001558706.11), dbSNP rs13311821, ClinGen allele CA4321544.